The following is an entry in ClinVar:

ClinVar aggregate classification (germline): Benign. Review status: criteria provided, multiple submitters, no conflicts (2 of 4 stars). 5 submissions from 5 submitters: Benign (5). Last evaluated 2026-02-02.

Conditions:
Combined immunodeficiency due to DOCK8 deficiency (HIES2). Also called: HIES autosomal recessive; Hyper-IgE recurrent infection syndrome, autosomal recessive; DOCK8 Deficiency; HYPER-IgE RECURRENT INFECTION SYNDROME 2, AUTOSOMAL RECESSIVE; HYPER-IgE SYNDROME 2, AUTOSOMAL RECESSIVE, WITH RECURRENT INFECTIONS. Identifiers: Orphanet 217390, MedGen C4722305, MONDO:0009478, OMIM 243700.

Allele frequency attached by ClinVar (database versions not stated): gnomAD exomes 0.00623 and 0.01642; ExAC 0.02067; 1000 Genomes Project 0.03295; gnomAD 0.06535 and 0.07045; 1000 Genomes Project 30x 0.07792.

Submissions (5):

Labcorp Genetics (formerly Invitae), Labcorp
Classification: Benign for Combined immunodeficiency due to DOCK8 deficiency. Last evaluated: 2026-02-02. Review status: criteria provided, single submitter. Criteria: Invitae Variant Classification Sherloc (09022015). Collection method: clinical testing. Allele origin: germline.

Women's Health and Genetics/Laboratory Corporation of America, LabCorp
Classification: Benign. Last evaluated: 2026-01-23. Review status: criteria provided, single submitter. Criteria: LabCorp Variant Classification Summary - May 2015. Collection method: clinical testing. Allele origin: germline.

Mayo Clinic Laboratories, Mayo Clinic
Classification: Benign. Last evaluated: 2019-12-16. Review status: criteria provided, single submitter. Criteria: ACMG Guidelines, 2015. Collection method: clinical testing. Allele origin: germline. Observed: 43 variant alleles.

GeneDx
Classification: Benign. Last evaluated: 2018-04-29. Review status: criteria provided, single submitter. Criteria: GeneDx Variant Classification Process June 2021. Collection method: clinical testing. Allele origin: germline. Affected: yes.

Laboratory for Molecular Medicine, Mass General Brigham Personalized Medicine
Classification: Benign. Last evaluated: 2016-03-29. Review status: criteria provided, single submitter. Criteria: LMM Criteria. Collection method: clinical testing. Allele origin: germline.
Comment: Variant identified in a genome or exome case(s) and assessed due to predicted null impact of the variant or pathogenic assertions in the literature or databases. Disclaimer: This variant has not undergone full assessment. The following are preliminary notes: Frequency

NM_203447.4(DOCK8):c.3234+8del

Gene: DOCK8 (dedicator of cytokinesis 8; plus strand). Cytogenetic location: 9p24.3.
Variant type: Deletion.
Coding change: c.3234+8del on transcript NM_203447.4 (MANE Select); 8 bases into the intron after coding-DNA position 3234, one base deleted (T; older notation c.3234+8delT).
Molecular consequence: intron variant.
Genome position (GRCh38, 1-based): chr9:399,267, T deleted. VCF-style (leftmost placement, unchanged base first): chr9-399266-GT-G. GRCh37 (hg19) VCF-style: chr9-399266-GT-G.
Other names: p.?; c.3234+8delT (NM_203447.3, NM_203447.4); c.3030+8del (NM_001193536.2); c.2934+8del (NM_001190458.2).
Identifiers: ClinVar variation 402793 (VCV000402793.17), dbSNP rs112565335, ClinGen allele CA4958568.